The following is an entry in ClinVar:

NM_024301.5(FKRP):c.1418T>G (p.Phe473Cys)

Gene: FKRP (fukutin related protein; plus strand). Cytogenetic location: 19q13.32.
Variant type: single nucleotide variant.
Coding change: c.1418T>G on transcript NM_024301.5 (MANE Select); coding-DNA position 1418, T replaced by G.
Protein change: p.Phe473Cys; replaces phenylalanine 473 with cysteine.
Molecular consequence: missense variant.
Genome position (GRCh38, 1-based): chr19:46,756,868, T>G. VCF-style: chr19-46756868-T-G. GRCh37 (hg19) VCF-style: chr19-47260125-T-G.
Other names: c.1418T>G, p.Phe473Cys (NM_001039885.3); short protein forms F473C.
Identifiers: ClinVar variation 550064 (VCV000550064.7), dbSNP rs752243337, ClinGen allele CA9532317.

ClinVar aggregate classification (germline): Conflicting classifications of pathogenicity. Review status: criteria provided, conflicting classifications (1 of 4 stars). 5 submissions from 5 submitters: Likely pathogenic (1); Uncertain significance (3). 1 of the submissions does not count toward it. Last evaluated 2025-11-11.

Conditions:
Myopathy caused by variation in FKRP. Identifiers: MedGen CN305637, MONDO:0700066.
Walker-Warburg congenital muscular dystrophy. Also called: Muscular dystrophy-dystroglycanopathy, type A; Walker-Warburg syndrome. Identifiers: Orphanet 899, MedGen C0265221, MONDO:0000171.
Autosomal recessive limb-girdle muscular dystrophy type 2I. Also called: MUSCULAR DYSTROPHY-DYSTROGLYCANOPATHY (LIMB-GIRDLE), TYPE C, 5; MUSCULAR DYSTROPHY, LIMB-GIRDLE, TYPE 2I; MUSCULAR DYSTROPHY-DYSTROGLYCANOPATHY, LIMB-GIRDLE, FRKP-RELATED. Identifiers: Orphanet 34515, MedGen C1846672, MONDO:0011787, OMIM 607155.
Muscular dystrophy-dystroglycanopathy (congenital with brain and eye anomalies), type A5. Also called: WALKER-WARBURG SYNDROME OR MUSCLE-EYE-BRAIN DISEASE, FKRP-RELATED; MUSCULAR DYSTROPHY-DYSTROGLYCANOPATHY (CONGENITAL WITH BRAIN AND EYE ANOMALIES), TYPE A, 5. Identifiers: Orphanet 588, Orphanet 899, MedGen C3150413, MONDO:0013157, OMIM 613153.
Muscular dystrophy-dystroglycanopathy type B5 (MDDGB5). Also called: MUSCULAR DYSTROPHY-DYSTROGLYCANOPATHY (CONGENITAL WITH OR WITHOUT IMPAIRED INTELLECTUAL DEVELOPMENT), TYPE B, 5; MUSCULAR DYSTROPHY, CONGENITAL, 1C; MUSCULAR DYSTROPHY, CONGENITAL, FKRP-RELATED. Identifiers: MedGen C1847759, MONDO:0011688, OMIM 606612.

Allele frequency attached by ClinVar (database versions not stated): gnomAD exomes below 0.00001 and 0.00001; ExAC 0.00001; TOPMed 0.00001.
gnomAD v4.1: 3 of 1,611,130 alleles (0.00019%); highest among the groups gnomAD compares: African/African-American, 0.004%; no homozygotes.

Submissions (5):

Myriad Genetics, Inc.
Classification: Uncertain significance for Myopathy caused by variation in FKRP. Last evaluated: 2025-11-11. Review status: criteria provided, single submitter. Criteria: Myriad Autosomal Dominant, Autosomal Recessive and X-Linked Classification Criteria (2023). Collection method: clinical testing. Allele origin: unknown.
Comment: NM_024301.4(FKRP):c.1418T>G(F473C) is a missense variant classified as a variant of uncertain significance in the context of FKRP-related disorders. F473C has been observed in a case with relevant disease (PMID: 24139536). Relevant functional assessments of this variant are not available in the literature. F473C has been observed in referenced population frequency databases. In summary, there is insufficient evidence to classify NM_024301.4(FKRP):c.1418T>G(F473C) as pathogenic or benign. Please note: this variant was assessed in the context of healthy population screening.

GeneDx
Classification: Uncertain significance. Last evaluated: 2025-08-09. Review status: criteria provided, single submitter. Criteria: GeneDx Variant Classification Process June 2021. Collection method: clinical testing. Allele origin: germline. Affected: yes.
Comment: Identified, along with a second FKRP variant, in an individual with a Walker-Warburg syndrome phenotype (PMID: 24139536); Functional study involving this individual showed that the variants altered functional glycosylation of alpha-DG, however, p.(F473C) was not assessed individually (PMID: 33513091, 24139536); In silico analysis supports that this missense variant has a deleterious effect on protein structure/function; Missense variants in this gene are a common cause of disease and they are underrepresented in the general population; Not observed at significant frequency in large population cohorts (gnomAD); This variant is associated with the following publications: (PMID: 27439679, 34260922, 24139536, 33513091)

Labcorp Genetics (formerly Invitae), Labcorp
Classification: Uncertain significance for Walker-Warburg congenital muscular dystrophy. Last evaluated: 2022-06-08. Review status: criteria provided, single submitter. Criteria: Invitae Variant Classification Sherloc (09022015). Collection method: clinical testing. Allele origin: germline.
Comment: This sequence change replaces phenylalanine, which is neutral and non-polar, with cysteine, which is neutral and slightly polar, at codon 473 of the FKRP protein (p.Phe473Cys). This variant is present in population databases (rs752243337, gnomAD 0.01%). This missense change has been observed in individual(s) with congenital muscular dystrophy (PMID: 24139536). ClinVar contains an entry for this variant (Variation ID: 550064). Algorithms developed to predict the effect of missense changes on protein structure and function are either unavailable or do not agree on the potential impact of this missense change (SIFT: "Deleterious"; PolyPhen-2: "Probably Damaging"; Align-GVGD: "Class C0"). In summary, the available evidence is currently insufficient to determine the role of this variant in disease. Therefore, it has been classified as a Variant of Uncertain Significance.

Clinical Genomics Laboratory, Stanford Medicine
Classification: Likely pathogenic for Muscular dystrophy-dystroglycanopathy (congenital with brain and eye anomalies), type A5; Muscular dystrophy-dystroglycanopathy type B5; Autosomal recessive limb-girdle muscular dystrophy type 2I. Last evaluated: 2021-10-20. Review status: criteria provided, single submitter. Criteria: ACMG Guidelines, 2015. Collection method: clinical testing. Allele origin: germline. Inheritance: Autosomal recessive inheritance. Observed: 1 variant allele, 1 heterozygote.
Comment: The p.Phe473Cys variant in the FKRP gene has been previously reported in the compound heterozygous state with a frameshift variant in an individual with congenital-onset muscular dystrophy with eye and brain anomalies (Kava et al., 2013). While phase of these variants was not reported, functional studies in induced pluripotent stem cells generated from this affected individual demonstrated impaired alpha-DG functional glycosylation (Ortiz-Cordero et al., 2021). This variant has been identified in 2/242,340 chromosomes by the Genome Aggregation Database. Although this variant has been seen in the general population, its frequency is low enough to be consistent with a recessive carrier frequency. This variant occurs in the C-terminal catalytic domain of the FKRP protein (Ortiz-Cordero et al., 2021). Other nearby pathogenic and likely pathogenic variants have been described in this domain (p.Asn463Asp, p.Asn463Ile, p.Tyr465Ser, p.Ile478Thr). Computational tools predict that this variant is deleterious; however, the accuracy of in silico algorithms is limited. These data were assessed using the ACMG/AMP variant interpretation guidelines. In summary, there is sufficient evidence to classify the p.Phe473Cys variant as likely pathogenic for FKRP-related muscular dystrophy-dystroglycanopathy in an autosomal recessive manner based on the information above. [ACMG evidence codes used: PM2; PM3; PM1_Supporting; PP3]

Counsyl
Classification: Uncertain significance for Autosomal recessive limb-girdle muscular dystrophy type 2I. Last evaluated: 2017-10-06. Review status: no assertion criteria provided. Collection method: clinical testing. Allele origin: unknown. Not counted in ClinVar's aggregate classification.

Literature cited by the submitters: PubMed 24139536 (cited by 4 submitters); PubMed 33513091 (cited by Clinical Genomics Laboratory, Stanford Medicine).